The following is an entry in ClinVar:

NM_001903.5(CTNNA1):c.1900-13G>C

Gene: CTNNA1 (catenin alpha 1; plus strand). Cytogenetic location: 5q31.2.
Variant type: single nucleotide variant.
Coding change: c.1900-13G>C on transcript NM_001903.5 (MANE Select); 13 bases into the intron before coding-DNA position 1900, G replaced by C.
Molecular consequence: intron variant.
Genome position (GRCh38, 1-based): chr5:138,929,233, G>C. VCF-style: chr5-138929233-G-C. GRCh37 (hg19) VCF-style: chr5-138264922-G-C.
Other names: c.1900-13G>C (NM_001323982.2, NM_001323984.2, NM_001290307.3 and 2 more transcripts); c.1807-13G>C (NM_001323986.2); c.1531-13G>C (NM_001290310.3); c.1591-13G>C (NM_001290309.3); c.790-13G>C (NM_001323996.1, NM_001323993.1, NM_001324005.1 and 17 more transcripts); c.451-13G>C (NM_001324007.1, NM_001324009.1, NM_001324006.1 and 2 more transcripts); c.547-13G>C (NM_001324013.1, NM_001324012.1); c.697-13G>C (NM_001324011.1).
Identifiers: ClinVar variation 2143800 (VCV002143800.5), dbSNP rs781427504, ClinGen allele CA563297055.

ClinVar aggregate classification (germline): Likely benign. Review status: criteria provided, multiple submitters, no conflicts (2 of 4 stars). 2 submissions from 2 submitters: Likely benign (2). Last evaluated 2025-12-03.

Conditions:
Hereditary diffuse gastric adenocarcinoma (HDGC). Also called: DIFFUSE GASTRIC AND LOBULAR BREAST CANCER SYNDROME. Identifiers: Orphanet 26106, MedGen C1708349, MONDO:0007648, OMIM 137215.

gnomAD v4.1: 6 of 1,447,570 alleles (0.00041%); highest among the groups gnomAD compares: South Asian, 0.0068%; no homozygotes.

Submissions (2):

Labcorp Genetics (formerly Invitae), Labcorp
Classification: Likely benign. Last evaluated: 2025-12-03. Review status: criteria provided, single submitter. Criteria: Invitae Variant Classification Sherloc (09022015). Collection method: clinical testing. Allele origin: germline.

Myriad Genetics, Inc.
Classification: Likely benign for Hereditary diffuse gastric adenocarcinoma. Last evaluated: 2024-10-14. Review status: criteria provided, single submitter. Criteria: Myriad Autosomal Dominant, Autosomal Recessive and X-Linked Classification Criteria (2023). Collection method: clinical testing. Allele origin: unknown.
Comment: This variant is considered likely benign. This variant is intronic and is not expected to impact mRNA splicing.